The following is an entry in ClinVar:

ClinVar aggregate classification (germline): Uncertain significance (1 of 4 stars; one submission).

Conditions:
EAST syndrome (SESAMES). Also called: SEIZURES, SENSORINEURAL DEAFNESS, ATAXIA, IMPAIRED INTELLECTUAL DEVELOPMENT, AND ELECTROLYTE IMBALANCE. Identifiers: Orphanet 199343, MedGen C2748572, MONDO:0013005, OMIM 612780.

Submission:

Labcorp Genetics (formerly Invitae), Labcorp
Classification: Uncertain significance for EAST syndrome. Last evaluated: 2021-04-08. Review status: criteria provided, single submitter. Criteria: Invitae Variant Classification Sherloc (09022015). Collection method: clinical testing. Allele origin: germline.
Comment: This sequence change replaces proline with threonine at codon 339 of the KCNJ10 protein (p.Pro339Thr). The proline residue is highly conserved and there is a small physicochemical difference between proline and threonine. In summary, the available evidence is currently insufficient to determine the role of this variant in disease. Therefore, it has been classified as a Variant of Uncertain Significance. Algorithms developed to predict the effect of missense changes on protein structure and function do not agree on the potential impact of this missense change (SIFT: "Deleterious"; PolyPhen-2: "Benign"; Align-GVGD: "Class C0"). This variant has not been reported in the literature in individuals with KCNJ10-related disease. This variant is not present in population databases (ExAC no frequency).

NM_002241.5(KCNJ10):c.1015C>A (p.Pro339Thr)

Gene: KCNJ10 (potassium inwardly rectifying channel subfamily J member 10; minus strand). Cytogenetic location: 1q23.2.
Variant type: single nucleotide variant.
Coding change: c.1015C>A on transcript NM_002241.5 (MANE Select); coding-DNA position 1015, C replaced by A.
Protein change: p.Pro339Thr; replaces proline 339 with threonine.
Molecular consequence: missense variant.
Genome position (GRCh38, 1-based): chr1:160,041,518, G>T on the plus strand (C>A on the coding strand, the complement: KCNJ10 is on the minus strand). VCF-style: chr1-160041518-G-T. GRCh37 (hg19) VCF-style: chr1-160011308-G-T.
Other names: short protein forms P339T.
Identifiers: ClinVar variation 578367 (VCV000578367.9), dbSNP rs1557967589, ClinGen allele CA343222645.
Genomic context (GRCh38, chr1:160,041,518, plus strand): 5'-CCTCCAACTTGAGCTTTTCAGGGTCTCCGTAGCGTACAGTGCTGTCACGGAGGCCACTAG[G>T]AGAGGCCACTTTCACAACTTGGTCAAAAAGGCTAAAGTCAGCTATGTATTTACCACTGGC-3'
Protein context (NP_002232.2, residues 329-349): LFDQVVKVAS[Pro339Thr]SGLRDSTVRY